The following is an entry in ClinVar:

NM_000308.4(CTSA):c.601-5C>G

Gene: CTSA (cathepsin A; plus strand). Cytogenetic location: 20q13.12.
Variant type: single nucleotide variant.
Coding change: c.601-5C>G on transcript NM_000308.4 (MANE Select); 5 bases into the intron before coding-DNA position 601, C replaced by G.
Molecular consequence: intron variant.
Genome position (GRCh38, 1-based): chr20:45,893,215, C>G. VCF-style: chr20-45893215-C-G. GRCh37 (hg19) VCF-style: chr20-44521854-C-G.
Other names: c.601-5C>G (NM_001127695.3); c.550-5C>G (NM_001167594.3).
Identifiers: ClinVar variation 2142683 (VCV002142683.6), dbSNP rs748681475, ClinGen allele CA9883098.

ClinVar aggregate classification (germline): Conflicting classifications of pathogenicity. Review status: criteria provided, conflicting classifications (1 of 4 stars). 2 submissions from 2 submitters: Uncertain significance (1); Likely benign (1). Last evaluated 2025-12-14.

Conditions:
Combined deficiency of sialidase AND beta galactosidase (GSL). Also called: CATHEPSIN A DEFICIENCY; GOLDBERG SYNDROME; NEURAMINIDASE DEFICIENCY WITH BETA-GALACTOSIDASE DEFICIENCY; NEURAMINIDASE/BETA-GALACTOSIDASE EXPRESSION; PPCA DEFICIENCY; PROTECTIVE PROTEIN/CATHEPSIN A DEFICIENCY. Identifiers: Orphanet 351, MedGen C0268233, MONDO:0009737, OMIM 256540.

Allele frequency attached by ClinVar (database versions not stated): ExAC 0.00002; gnomAD 0.00005; TOPMed 0.00005.
gnomAD v4.1: 80 of 1,613,508 alleles (0.005%); highest among the groups gnomAD compares: Non-Finnish European, 0.006%; no homozygotes.

Submissions (3):

Labcorp Genetics (formerly Invitae), Labcorp
Classification: Likely benign for Combined deficiency of sialidase AND beta galactosidase. Last evaluated: 2025-12-14. Review status: criteria provided, single submitter. Criteria: Invitae Variant Classification Sherloc (09022015). Collection method: clinical testing. Allele origin: germline.

Women's Health and Genetics/Laboratory Corporation of America, LabCorp
Classification: Uncertain significance. Last evaluated: 2024-06-25. Review status: criteria provided, single submitter. Criteria: LabCorp Variant Classification Summary - May 2015. Collection method: clinical testing. Allele origin: germline.
Comment: Variant summary: CTSA c.601-5C>G alters a non-conserved nucleotide located close to a canonical splice site and therefore could affect mRNA splicing, leading to a significantly altered protein sequence. Computational tools predict a significant impact on normal splicing: Two predict the variant weakens a canonical 3' acceptor site and one predicts the variant abolishes this site. However, these predictions have yet to be confirmed by functional studies. The variant allele was found at a frequency of 1.2e-05 in 251418 control chromosomes (gnomAD). The available data on variant occurrences in the general population are insufficient to allow any conclusion about variant significance. To our knowledge, no occurrence of c.601-5C>G in individuals affected with Cathepsin A Deficiency and no experimental evidence demonstrating its impact on protein function have been reported. ClinVar contains an entry for this variant (Variation ID: 2142683). Based on the evidence outlined above, the variant was classified as uncertain significance.

Dr. Peter K. Rogan Lab, Western University
No classification provided (evidence only). Condition: Acute myeloid leukemia. Review status: no classification provided. Collection method: in vitro. Allele origin: not applicable. Functional consequence: retained intron. Not counted in ClinVar's aggregate classification.